The following is an entry in ClinVar:

NM_001198800.3(ASCC1):c.958-5422C>T

Gene: ASCC1 (activating signal cointegrator 1 complex subunit 1; minus strand). Cytogenetic location: 10q22.1.
Variant type: single nucleotide variant.
Coding change: c.958-5422C>T on transcript NM_001198800.3 (MANE Select); 5422 bases into the intron before coding-DNA position 958, C replaced by T.
Molecular consequence: intron variant. On other transcripts: synonymous variant (14).
Genome position (GRCh38, 1-based): chr10:72,102,872, G>A on the plus strand (C>T on the coding strand, the complement: ASCC1 is on the minus strand). VCF-style: chr10-72102872-G-A. GRCh37 (hg19) VCF-style: chr10-73862630-G-A.
Other names: c.1137C>T, p.Ala379= (NM_001198799.3); c.1119C>T, p.Ala373= (NM_001369085.1, NM_001369086.1); c.1053C>T, p.Ala351= (NM_001369087.1, NM_001369088.1, NM_001369089.1 and 3 more transcripts); c.933C>T, p.Ala311= (NM_001369100.1, NM_001369103.1, NM_001369104.1); c.936C>T, p.Ala312= (NM_001369101.1, NM_001369102.1); c.904-5422C>T (NM_001369099.1); c.752-5422C>T (NM_001369112.1); c.838-5422C>T (NM_001369108.1, NM_001369109.1); and 4 more.
Identifiers: ClinVar variation 1529154 (VCV001529154.15), dbSNP rs941619510, ClinGen allele CA209506001.

ClinVar aggregate classification (germline): Likely benign. Review status: criteria provided, multiple submitters, no conflicts (2 of 4 stars). 2 submissions from 2 submitters: Likely benign (2). Last evaluated 2025-11-01.

Allele frequency attached by ClinVar (database versions not stated): gnomAD 0.00009; TOPMed 0.00015.

Submissions (2):

CeGaT Center for Human Genetics Tuebingen
Classification: Likely benign. Last evaluated: 2025-11-01. Review status: criteria provided, single submitter. Criteria: CeGaT Center For Human Genetics Tuebingen Variant Classification Criteria Version 2. Collection method: clinical testing. Allele origin: germline. Affected: yes. Observed: 1 variant allele.
Comment: ASCC1: BP4, BP7

Labcorp Genetics (formerly Invitae), Labcorp
Classification: Likely benign. Last evaluated: 2025-08-29. Review status: criteria provided, single submitter. Criteria: Invitae Variant Classification Sherloc (09022015). Collection method: clinical testing. Allele origin: germline.